The following is an entry in ClinVar:

NM_001366722.1(GRIP1):c.533G>A (p.Arg178His)

Gene: GRIP1 (glutamate receptor interacting protein 1; minus strand). Cytogenetic location: 12q14.3.
Variant type: single nucleotide variant.
Coding change: c.533G>A on transcript NM_001366722.1 (MANE Select); coding-DNA position 533, G replaced by A.
Protein change: p.Arg178His; replaces arginine 178 with histidine.
Molecular consequence: missense variant.
Genome position (GRCh38, 1-based): chr12:66,517,946, C>T on the plus strand (G>A on the coding strand, the complement: GRIP1 is on the minus strand). VCF-style: chr12-66517946-C-T. GRCh37 (hg19) VCF-style: chr12-66911726-C-T.
Other names: c.533G>A, p.Arg178His (NM_001178074.2, NM_001379346.1, NM_021150.4); c.611G>A, p.Arg204His (NM_001366723.1, NM_001366724.1, NM_001379345.1 and 2 more transcripts); c.536G>A, p.Arg179His (NM_001379349.1, NM_001379351.1); short protein forms R178H, R179H, R204H.
Identifiers: ClinVar variation 3907744 (VCV003907744.1).
Genomic context (GRCh38, chr12:66,517,946, plus strand): 5'-AAAGATAAAGTTTACCTGTCAGCAGGCCCTCCAGGACGAACACATGTTATCACAACTGGA[C>T]GAGATTTATTTCTATCATCATGTGCTCCCCCTAGCAAAGAAAAGGAACAGAGCTTAAAAC-3'
Protein context (NP_001353651.1, residues 168-188): GGAHDDRNKS[Arg178His]PVVITCVRPG

ClinVar aggregate classification (germline): Uncertain significance (1 of 4 stars; one submission).

gnomAD v4.1: 29 of 1,598,388 alleles (0.0018%); highest among the groups gnomAD compares: South Asian, 0.0099%; no homozygotes.

Submission:

GeneDx
Classification: Uncertain significance. Last evaluated: 2024-12-31. Review status: criteria provided, single submitter. Criteria: GeneDx Variant Classification Process June 2021. Collection method: clinical testing. Allele origin: germline. Affected: yes.
Comment: In silico analysis supports that this missense variant has a deleterious effect on protein structure/function; Has not been previously published as pathogenic or benign to our knowledge